The following is an entry in ClinVar:

NM_000492.4(CFTR):c.1351G>T (p.Gly451Ter)

Genes: CFTR (CF transmembrane conductance regulator; plus strand), CFTR-AS1 (CFTR antisense RNA 1; minus strand). Cytogenetic location: 7q31.2.
Variant type: single nucleotide variant.
Coding change: c.1351G>T on transcript NM_000492.4 (MANE Select); coding-DNA position 1351, G replaced by T.
Protein change: p.Gly451Ter; replaces glycine 451 with a stop codon.
Molecular consequence: nonsense.
Genome position (GRCh38, 1-based): chr7:117,548,782, G>T. VCF-style: chr7-117548782-G-T. GRCh37 (hg19) VCF-style: chr7-117188836-G-T.
Other names: short protein forms G451*.
Identifiers: ClinVar variation 2680689 (VCV002680689.2), dbSNP rs1359327577, ClinGen allele CA368982268.

ClinVar aggregate classification (germline): Likely pathogenic. Review status: criteria provided, multiple submitters, no conflicts (2 of 4 stars). 2 submissions from 2 submitters: Likely pathogenic (2). Last evaluated 2025-08-05.

Conditions:
CFTR-related disorder (CFTR-RD). Also called: CFTR-related disorders; CFTR-related condition. Identifiers: MedGen C5924204, MONDO:7770004.
Bronchiectasis with or without elevated sweat chloride 1 (BESC1). Also called: Cystic Fibrosis-Like Syndrome. Identifiers: Orphanet 60033, MedGen C2749757, MONDO:0008887, OMIM 211400.

Submissions (2):

Natera, Inc.
Classification: Likely pathogenic for CFTR-related disorders. Last evaluated: 2025-08-05. Review status: criteria provided, single submitter. Criteria: Natera Variant Classification Schema (03/2026). Collection method: clinical testing. Allele origin: germline.
Comment: The c.1351G>T variant in CFTR is a nonsense variant predicted to introduce a stop codon at amino acid 451. This variant is expected to result in nonsense mediated decay, truncation, or a dysfunctional protein product. This variant is rare in the general population with a frequency below the threshold expected for the associated phenotype(s). Given the available evidence, this variant is classified as Likely Pathogenic.

Baylor Genetics
Classification: Likely pathogenic for Bronchiectasis with or without elevated sweat chloride 1. Last evaluated: 2023-10-11. Review status: criteria provided, single submitter. Criteria: ACMG Guidelines, 2015. Collection method: clinical testing. Allele origin: unknown.